The following is an entry in ClinVar:

NM_004333.6(BRAF):c.362C>T (p.Thr121Ile)

Gene: BRAF (B-Raf proto-oncogene, serine/threonine kinase; minus strand). Cytogenetic location: 7q34.
Variant type: single nucleotide variant.
Coding change: c.362C>T on transcript NM_004333.6 (MANE Select); coding-DNA position 362, C replaced by T.
Protein change: p.Thr121Ile; replaces threonine 121 with isoleucine.
Molecular consequence: missense variant. On other transcripts: intron variant (1).
Genome position (GRCh38, 1-based): chr7:140,834,751, G>A on the plus strand (C>T on the coding strand, the complement: BRAF is on the minus strand). VCF-style: chr7-140834751-G-A. GRCh37 (hg19) VCF-style: chr7-140534551-G-A.
Other names: c.362C>T, p.Thr121Ile (NM_001354609.2, NM_001374244.1, NM_001374258.1 and 5 more transcripts); c.260C>T, p.Thr87Ile (NM_001378470.1); c.206C>T, p.Thr69Ile (NM_001378472.1, NM_001378473.1); c.240+15360C>T (NM_001378475.1); short protein forms T121I, T87I, T69I.
Identifiers: ClinVar variation 3689728 (VCV003689728.2).

ClinVar aggregate classification (germline): Uncertain significance (1 of 4 stars; one submission).

Conditions:
RASopathy. Also called: Noonan spectrum disorder; rasopathies. Identifiers: Orphanet 536391, MedGen C5555857, MONDO:0021060.

gnomAD v4.1: 1 of 1,614,162 alleles (0.000062%); highest among the groups gnomAD compares: Non-Finnish European, 0.000085%; no homozygotes.

Submission:

Labcorp Genetics (formerly Invitae), Labcorp
Classification: Uncertain significance for RASopathy. Last evaluated: 2024-09-18. Review status: criteria provided, single submitter. Criteria: Invitae Variant Classification Sherloc (09022015). Collection method: clinical testing. Allele origin: germline.
Comment: This sequence change replaces threonine, which is neutral and polar, with isoleucine, which is neutral and non-polar, at codon 121 of the BRAF protein (p.Thr121Ile). This variant is not present in population databases (gnomAD no frequency). This variant has not been reported in the literature in individuals affected with BRAF-related conditions. Invitae Evidence Modeling of protein sequence and biophysical properties (such as structural, functional, and spatial information, amino acid conservation, physicochemical variation, residue mobility, and thermodynamic stability) has been performed for this missense variant. However, the output from this modeling did not meet the statistical confidence thresholds required to predict the impact of this variant on BRAF protein function. In summary, the available evidence is currently insufficient to determine the role of this variant in disease. Therefore, it has been classified as a Variant of Uncertain Significance.